The following is an entry in ClinVar:

ClinVar aggregate classification (germline): Likely pathogenic. Review status: criteria provided, single submitter (1 of 4 stars). 4 submissions from 4 submitters: Likely pathogenic (1). 3 of the submissions do not count toward it. Last evaluated 2025-07-10.

Conditions:
Autosomal recessive congenital ichthyosis 1 (LI1). Also called: ICHTHYOSIS CONGENITA; ICHTHYOSIS CONGENITA II; LAMELLAR EXFOLIATION OF NEWBORN; ICHTHYOSIS, CONGENITAL, AUTOSOMAL RECESSIVE 1, WITH BATHING SUIT DISTRIBUTION; ICHTHYOSIS, CONGENITAL, AUTOSOMAL RECESSIVE 1, WITH OR WITHOUT BATHING SUIT DISTRIBUTION; COLLODION FETUS. Identifiers: MedGen C4551630, MONDO:0009441, OMIM 242300.

Allele frequency attached by ClinVar (database versions not stated): gnomAD exomes below 0.00001 and 0.00001; ExAC 0.00001; gnomAD 0.00001; TOPMed 0.00001; ESP Exome Variant Server 0.00008.
gnomAD v4.1: 18 of 1,613,850 alleles (0.0011%); highest among the groups gnomAD compares: Admixed American, 0.0017%; no homozygotes.

Submissions (4):

Natera, Inc.
Classification: Likely pathogenic for Autosomal recessive congenital ichthyosis type 1. Last evaluated: 2025-07-10. Review status: criteria provided, single submitter. Criteria: Natera Variant Classification Schema (03/2026). Collection method: clinical testing. Allele origin: germline.
Comment: The c.2059C>T variant in TGM1 is a missense variant predicted to cause substitution of arginine to cysteine at amino acid 687. This variant is rare in the general population with a frequency below the threshold expected for the associated phenotype(s). This variant has been observed in one or more individuals affected with the associated recessive disease, as either homozygous or compound heterozygous with a second variant (PMID: 39501396). Functional studies show that this variant may disrupt protein function (PMID: 9261103). A different variant at the same position has been determined to be Pathogenic or Likely Pathogenic. Given the available evidence, this variant is classified as Likely Pathogenic.

Counsyl
Classification: Uncertain significance for Autosomal recessive congenital ichthyosis 1. Last evaluated: 2018-04-20. Review status: no assertion criteria provided. Collection method: clinical testing. Allele origin: unknown. Not counted in ClinVar's aggregate classification.

Genome Diagnostics Laboratory, University Medical Center Utrecht
Classification: Pathogenic. Review status: no assertion criteria provided. Collection method: clinical testing. Allele origin: germline. Affected: yes. Study: VKGL Data-share Consensus. Not counted in ClinVar's aggregate classification.

Joint Genome Diagnostic Labs from Nijmegen and Maastricht, Radboudumc and MUMC+
Classification: Pathogenic. Review status: no assertion criteria provided. Collection method: clinical testing. Allele origin: germline. Affected: yes. Study: VKGL Data-share Consensus. Not counted in ClinVar's aggregate classification.

Literature cited by the submitters: PubMed 39501396 (cited by Natera, Inc.); PubMed 9261103 (cited by Natera, Inc. and Counsyl).

NM_000359.3(TGM1):c.2059C>T (p.Arg687Cys)

Gene: TGM1 (transglutaminase 1; minus strand). Cytogenetic location: 14q12.
Variant type: single nucleotide variant.
Coding change: c.2059C>T on transcript NM_000359.3 (MANE Select); coding-DNA position 2059, C replaced by T.
Protein change: p.Arg687Cys; replaces arginine 687 with cysteine.
Molecular consequence: missense variant.
Genome position (GRCh38, 1-based): chr14:24,254,693, G>A on the plus strand (C>T on the coding strand, the complement: TGM1 is on the minus strand). VCF-style: chr14-24254693-G-A. GRCh37 (hg19) VCF-style: chr14-24723899-G-A.
Other names: short protein forms R687C.
Identifiers: ClinVar variation 557884 (VCV000557884.8), dbSNP rs147516124, ClinGen allele CA7130915.